The following is an entry in ClinVar:

ClinVar aggregate classification (germline): Pathogenic. Review status: criteria provided, multiple submitters, no conflicts (2 of 4 stars). 2 submissions from 2 submitters: Pathogenic (2). Last evaluated 2021-04-28.

Conditions:
O'Donnell-Luria-Rodan syndrome (ODLURO). Also called: KMT2E-Related Neurodevelopmental Disorder. Identifiers: MedGen C5193138, MONDO:0032793, OMIM 618512.
Neurodevelopmental disorder. Identifiers: MedGen C1535926, MeSH D065886, MONDO:0700092.

Submissions (2):

Institute of Human Genetics, Cologne University
Classification: Pathogenic for O'Donnell-Luria-Rodan syndrome. Last evaluated: 2021-04-28. Review status: criteria provided, single submitter. Criteria: ACMG Guidelines, 2015. Collection method: clinical testing. Allele origin: de novo. Affected: yes. Observed: 1 variant allele.

Rady Children's Institute for Genomic Medicine, Rady Children's Hospital San Diego
Classification: Pathogenic for neurodevelopmental disorder. Last evaluated: 2019-07-30. Review status: criteria provided, single submitter. Criteria: ACMG Guidelines, 2015. Collection method: clinical testing. Allele origin: germline. Affected: yes.
Comment: This nonsense variant found in exon 17 of 27 is predicted to result in loss of normal protein function. This variant has not been previously reported or functionally characterized in the literature to our knowledge, though other loss of function variants have been described in affected individuals (PMID: 31079897). KMT2E is highly constrained and intolerant to loss of function variants (pLI score: 1.00). The variant is absent from the ExAC and gnomAD population databases and thus is presumed to be rare. Analysis of the parental samples was negative for the variant, indicating this variant likely occurred as a de novo event. Based on the available evidence, the c.2107G>T (p.Glu703Ter) variant is classified as Pathogenic.

NM_182931.3(KMT2E):c.2107G>T (p.Glu703Ter)

Gene: KMT2E (lysine methyltransferase 2E (inactive); plus strand). Cytogenetic location: 7q22.3.
Variant type: single nucleotide variant.
Coding change: c.2107G>T on transcript NM_182931.3 (MANE Select); coding-DNA position 2107, G replaced by T.
Protein change: p.Glu703Ter; replaces glutamic acid 703 with a stop codon.
Molecular consequence: nonsense.
Genome position (GRCh38, 1-based): chr7:105,102,105, G>T. VCF-style: chr7-105102105-G-T. GRCh37 (hg19) VCF-style: chr7-104742552-G-T.
Other names: c.2107G>T, p.Glu703Ter (NM_018682.4); short protein forms E703*.
Identifiers: ClinVar variation 986354 (VCV000986354.2), dbSNP rs1798679896, ClinGen allele CA368785317.